The following is an entry in ClinVar:

ClinVar aggregate classification (germline): Likely benign (1 of 4 stars; one submission).

Allele frequency attached by ClinVar (database versions not stated): TOPMed 0.00867; gnomAD 0.00871 and 0.00929; 1000 Genomes Project 0.01078; 1000 Genomes Project 30x 0.01187.
gnomAD v4.1: 2,296 of 1,142,520 alleles (0.2%); highest among the groups gnomAD compares: African/African-American, 3.1%; 30 homozygotes.

Submission:

GeneDx
Classification: Likely benign. Last evaluated: 2018-06-19. Review status: criteria provided, single submitter. Criteria: GeneDx Variant Classification (06012015). Collection method: clinical testing. Allele origin: germline. Affected: yes.
Comment: This variant is considered likely benign or benign based on one or more of the following criteria: it is a conservative change, it occurs at a poorly conserved position in the protein, it is predicted to be benign by multiple in silico algorithms, and/or has population frequency not consistent with disease.

NM_001005242.3(PKP2):c.1839+84C>G

Gene: PKP2 (plakophilin 2; minus strand). Cytogenetic location: 12p11.21.
Variant type: single nucleotide variant.
Coding change: c.1839+84C>G on transcript NM_001005242.3 (MANE Select); 84 bases into the intron after coding-DNA position 1839, C replaced by G.
Molecular consequence: intron variant.
Genome position (GRCh38, 1-based): chr12:32,822,383, G>C on the plus strand (C>G on the coding strand, the complement: PKP2 is on the minus strand). VCF-style: chr12-32822383-G-C. GRCh37 (hg19) VCF-style: chr12-32975317-G-C.
Other names: c.1971+84C>G (NM_004572.4).
Identifiers: ClinVar variation 672155 (VCV000672155.1), dbSNP rs114120976, ClinGen allele CA235238587.